The following is an entry in ClinVar:

ClinVar aggregate classification (germline): Uncertain significance (1 of 4 stars; one submission).

Conditions:
Baller-Gerold syndrome (BGS). Also called: CRANIOSYNOSTOSIS WITH RADIAL DEFECTS. Identifiers: Orphanet 1225, MedGen C0265308, MONDO:0009039, OMIM 218600.

Submission:

Labcorp Genetics (formerly Invitae), Labcorp
Classification: Uncertain significance for Baller-Gerold syndrome. Last evaluated: 2023-03-19. Review status: criteria provided, single submitter. Criteria: Invitae Variant Classification Sherloc (09022015). Collection method: clinical testing. Allele origin: germline.
Comment: This sequence change replaces proline, which is neutral and non-polar, with histidine, which is basic and polar, at codon 159 of the RECQL4 protein (p.Pro159His). This variant is not present in population databases (gnomAD no frequency). This variant has not been reported in the literature in individuals affected with RECQL4-related conditions. Advanced modeling of protein sequence and biophysical properties (such as structural, functional, and spatial information, amino acid conservation, physicochemical variation, residue mobility, and thermodynamic stability) performed at Invitae indicates that this missense variant is not expected to disrupt RECQL4 protein function. In summary, the available evidence is currently insufficient to determine the role of this variant in disease. Therefore, it has been classified as a Variant of Uncertain Significance.

NM_004260.4(RECQL4):c.476C>A (p.Pro159His)

Gene: RECQL4 (RecQ like helicase 4; minus strand). Cytogenetic location: 8q24.3.
Variant type: single nucleotide variant.
Coding change: c.476C>A on transcript NM_004260.4 (MANE Select); coding-DNA position 476, C replaced by A.
Protein change: p.Pro159His; replaces proline 159 with histidine.
Molecular consequence: missense variant. On other transcripts: 5 prime UTR variant (15), non-coding transcript variant (3), intron variant (3).
Genome position (GRCh38, 1-based): chr8:144,516,643, G>T on the plus strand (C>A on the coding strand, the complement: RECQL4 is on the minus strand). VCF-style: chr8-144516643-G-T. GRCh37 (hg19) VCF-style: chr8-145742027-G-T.
Other names: c.476C>A, p.Pro159His (NM_001413017.1, NM_001413018.1, NM_001413019.1 and 4 more transcripts); c.-596C>A (NM_001413022.1, NM_001413023.1, NM_001413024.1 and 5 more transcripts); c.347C>A, p.Pro116His (NM_001413025.1); c.-658C>A (NM_001413027.1, NM_001413030.1, NM_001413031.1 and 2 more transcripts); c.-500C>A (NM_001413034.1); c.-865C>A (NM_001413043.1); c.355-230C>A (NM_001413029.1); c.-366-230C>A (NM_001413021.1); and 1 more; short protein forms P116H, P159H.
Identifiers: ClinVar variation 2903974 (VCV002903974.3), dbSNP rs1815070006, ClinGen allele CA372691325.
Genomic context (GRCh38, chr8:144,516,643, plus strand): 5'-AGGGATGCCTGCAGATGCTGGAGCCGGCCTGGCCTTGGCTGGGGCTCAGGGAGCTGTGGA[G>T]GCTCATCACTGACTTTTTCTGCAAAGGAGGGGACAGGCCCTGTACCTGGGGGCTTTGGGG-3'
Protein context (NP_004251.4, residues 149-169): PSFAEKVSDE[Pro159His]PQLPEPQPRP